The following is an entry in ClinVar:

ClinVar aggregate classification (germline): Uncertain significance (1 of 4 stars; one submission).

Conditions:
Charcot-Marie-Tooth disease, demyelinating, type 1G (CMT1G). Identifiers: Orphanet 476394, MedGen C4748940, MONDO:0033135, OMIM 618279.

Submission:

3billion
Classification: Uncertain significance for Charcot-Marie-Tooth disease, demyelinating, type 1G. Last evaluated: 2022-01-03. Review status: criteria provided, single submitter. Criteria: ACMG Guidelines, 2015. Collection method: clinical testing. Allele origin: germline. Affected: yes. Observed: 1 heterozygote.
Comment: A different missense change at the same codon has been reported as pathogenic/likely pathogenic with strong evidence (ClinVar ID: VCV000599406, PMID:27009151, PM5_M). It is not observed in the gnomAD v2.1.1 dataset (PM2_M). A missense variant is a common mechanism associated with Charcot-Marie-Tooth disease (PP2_P). Therefore, this variant is classified as uncertain significance according to the recommendation of ACMG/AMP guideline.

Literature cited by the submitters: PubMed 27009151.

NM_002677.5(PMP2):c.155T>A (p.Ile52Lys)

Gene: PMP2 (peripheral myelin protein 2; minus strand). Cytogenetic location: 8q21.13.
Variant type: single nucleotide variant.
Coding change: c.155T>A on transcript NM_002677.5 (MANE Select); coding-DNA position 155, T replaced by A.
Protein change: p.Ile52Lys; replaces isoleucine 52 with lysine.
Molecular consequence: missense variant. On other transcripts: intron variant (1).
Genome position (GRCh38, 1-based): chr8:81,444,908, A>T on the plus strand (T>A on the coding strand, the complement: PMP2 is on the minus strand). VCF-style: chr8-81444908-A-T. GRCh37 (hg19) VCF-style: chr8-82357143-A-T.
Other names: c.74-307T>A (NM_001348381.2); short protein forms I52K.
Identifiers: ClinVar variation 1333405 (VCV001333405.1), dbSNP rs1563518388, ClinGen allele CA371518053.
Genomic context (GRCh38, chr8:81,444,908, plus strand): 5'-TCAAATTCCTGGCCTAGCTTGAAGGAGATTTCTGTATTTTTAAAGGTACTTTCAGTTCGT[A>T]TAGTTATAATATCTCCTTTCTTGCTGATGATCACAGTGGGTTTGGCCAAATTTCCCAGTT-3'
Protein context (NP_002668.1, residues 42-62): IISKKGDIIT[Ile52Lys]RTESTFKNTE